The following is an entry in ClinVar:

NM_000492.4(CFTR):c.1580A>G (p.Glu527Gly)

Genes: CFTR (CF transmembrane conductance regulator; plus strand), CFTR-AS1 (CFTR antisense RNA 1; minus strand). Cytogenetic location: 7q31.2.
Variant type: single nucleotide variant.
Coding change: c.1580A>G on transcript NM_000492.4 (MANE Select); coding-DNA position 1580, A replaced by G.
Protein change: p.Glu527Gly; replaces glutamic acid 527 with glycine.
Molecular consequence: missense variant.
Genome position (GRCh38, 1-based): chr7:117,559,651, A>G. VCF-style: chr7-117559651-A-G. GRCh37 (hg19) VCF-style: chr7-117199705-A-G.
Other names: short protein forms E527G.
Identifiers: ClinVar variation 552690 (VCV000552690.20), dbSNP rs374453187, ClinGen allele CA4451025.

ClinVar aggregate classification (germline): Conflicting classifications of pathogenicity. Review status: criteria provided, conflicting classifications (1 of 4 stars). 9 submissions from 8 submitters: Likely pathogenic (3); Uncertain significance (5). 1 of the submissions does not count toward it. Last evaluated 2025-12-18.

Conditions:
Cystic fibrosis (CF). Also called: MUCOVISCIDOSIS. Identifiers: Orphanet 586, MedGen C0010674, MONDO:0009061, OMIM 219700. Disease mechanism: loss of function.
Congenital bilateral aplasia of vas deferens from CFTR mutation (CBAVD). Identifiers: Orphanet 48, MedGen C0403814, MONDO:0010178, OMIM 277180. Disease mechanism: loss of function.
Bronchiectasis with or without elevated sweat chloride 1 (BESC1). Also called: Cystic Fibrosis-Like Syndrome. Identifiers: Orphanet 60033, MedGen C2749757, MONDO:0008887, OMIM 211400.
CFTR-related disorder (CFTR-RD). Also called: CFTR-related disorders; CFTR-related condition. Identifiers: MedGen C5924204, MONDO:7770004.

Allele frequency attached by ClinVar (database versions not stated): ExAC 0.00002; gnomAD 0.00002; TOPMed 0.00003; ESP Exome Variant Server 0.00008; gnomAD exomes 0.00001 and 0.00002.
gnomAD v4.1: 19 of 1,611,156 alleles (0.0012%); highest among the groups gnomAD compares: Admixed American, 0.0033%; no homozygotes.

Submissions (9):

Natera, Inc.
Classification: Likely pathogenic for CFTR-related disorders. Last evaluated: 2025-12-18. Review status: criteria provided, single submitter. Criteria: Natera Variant Classification Schema (03/2026). Collection method: clinical testing. Allele origin: germline.
Comment: The c.1580A>G variant in CFTR is a missense variant predicted to cause substitution of glutamic acid to glycine at amino acid 527. This variant is rare in the general population with a frequency below the threshold expected for the associated phenotype(s). This variant has been observed in one or more individuals affected with the associated recessive disease, as either homozygous or compound heterozygous with a second variant (PMID: 19897426). This variant has been identified in one or more affected individual with a phenotype highly consistent with the associated gene (PMID: 19897426). Computational prediction algorithms indicate this variant is likely to affect gene or protein function. Given the available evidence, this variant is classified as Likely Pathogenic.

Women's Health and Genetics/Laboratory Corporation of America, LabCorp
Classification: Uncertain significance. Last evaluated: 2025-09-03. Review status: criteria provided, single submitter. Criteria: LabCorp Variant Classification Summary - May 2015. Collection method: clinical testing. Allele origin: germline.
Comment: Variant summary: CFTR c.1580A>G (p.Glu527Gly) results in a non-conservative amino acid change in the encoded protein sequence. Algorithms developed to predict the effect of missense changes on protein structure and function all suggest that this variant is likely to be disruptive. The variant allele was found at a frequency of 2.4e-05 in 250728 control chromosomes. c.1580A>G has been reported in the literature in at least two compound heterozygous individuals who were identified during newborn screening (Castellani_1999, Ooi_2015). Both individuals had elevated immunoreactive trypsinogen during newborn screening and a known pathogenic variant on the second allele, but neither had elevated sweat chloride levels during follow-up. Therefore, these reports do not provide unequivocal conclusions about association of the variant with Cystic Fibrosis. At least one publication reports experimental evidence that this variant impacts protein function. The most pronounced variant effect resulted in approximately 43.40% of normal chloride channel conductance relative to wild type (e.g., Bihler_2024). The following publications have been ascertained in the context of this evaluation (PMID: 38388235, 9915972, 25963003, 19897426, 26087173, 12529713, 32734384, 16126774, 25735457, 11303517, 34426522, 11504857, 36834620). ClinVar contains an entry for this variant (Variation ID: 552690). Based on the evidence outlined above, the variant was classified as VUS-possibly pathogenic.

GeneDx
Classification: Uncertain significance. Last evaluated: 2025-03-17. Review status: criteria provided, single submitter. Criteria: GeneDx Variant Classification Process June 2021. Collection method: clinical testing. Allele origin: germline. Affected: yes.
Comment: Observed with a CF-causing variant in individuals with hypertrypsinemia identified on newborn screening and normal sweat chloride test results, but familial segregation information and additional clinical information was not provided (PMID: 11303517, 25963003); In silico analysis supports that this missense variant has a deleterious effect on protein structure/function; This variant is associated with the following publications: (PMID: 34426522, 38388235, 25963003, 12529713, 11303517, 9915972, 19897426)

Ambry Genetics
Classification: Uncertain significance for Cystic fibrosis. Last evaluated: 2024-03-29. Review status: criteria provided, single submitter. Criteria: Ambry Variant Classification Scheme 2023. Collection method: clinical testing. Allele origin: germline.
Comment: The p.E527G variant (also known as c.1580A>G), located in coding exon 11 of the CFTR gene, results from an A to G substitution at nucleotide position 1580. The glutamic acid at codon 527 is replaced by glycine, an amino acid with similar properties. This variant was reported in a compound heterozygous state with p.F508del in a newborn with elevated immunoreactive trypsinogen, and a normal sweat chloride concentration (Castellani C et al. Am. J. Hum. Genet. 1999 Jan; 64(1):303-4; Castellani C et al. J. Med. Genet. 2001 Mar; 38(3):202-5). This variant has been reported in combination with a different CF-causing mutation in an infant with a normal sweat chloride concentration (Ooi CY et al. Pediatrics, 2015 Jun;135:e1377-85). This amino acid position is well conserved in available vertebrate species. In addition, this alteration is predicted to be deleterious by in silico analysis. Since supporting evidence is limited at this time, the clinical significance of this alteration remains unclear.

Baylor Genetics
Classification: Likely pathogenic for Bronchiectasis with or without elevated sweat chloride 1. Last evaluated: 2024-03-07. Review status: criteria provided, single submitter. Criteria: ACMG Guidelines, 2015. Collection method: clinical testing. Allele origin: unknown.

Labcorp Genetics (formerly Invitae), Labcorp
Classification: Uncertain significance for Cystic fibrosis. Last evaluated: 2022-08-22. Review status: criteria provided, single submitter. Criteria: Invitae Variant Classification Sherloc (09022015). Collection method: clinical testing. Allele origin: germline.
Comment: This sequence change replaces glutamic acid, which is acidic and polar, with glycine, which is neutral and non-polar, at codon 527 of the CFTR protein (p.Glu527Gly). This variant is present in population databases (rs374453187, gnomAD 0.007%). This missense change has been observed in individual(s) with clinical features of CFTR-related conditions (PMID: 9915972, 25963003). ClinVar contains an entry for this variant (Variation ID: 552690). Algorithms developed to predict the effect of missense changes on protein structure and function (SIFT, PolyPhen-2, Align-GVGD) all suggest that this variant is likely to be tolerated. In summary, the available evidence is currently insufficient to determine the role of this variant in disease. Therefore, it has been classified as a Variant of Uncertain Significance.

Genome-Nilou Lab
Classification: Uncertain significance for Cystic fibrosis. Last evaluated: 2021-07-22. Review status: criteria provided, single submitter. Criteria: ACMG Guidelines, 2015. Collection method: clinical testing. Allele origin: germline. Affected: no.

Baylor Genetics
Classification: Likely pathogenic for Congenital bilateral aplasia of vas deferens from CFTR mutation; Cystic fibrosis. Review status: criteria provided, single submitter. Criteria: ACMG Guidelines, 2015. Collection method: clinical testing. Allele origin: germline.

Counsyl
Classification: Uncertain significance for Cystic fibrosis. Last evaluated: 2017-06-29. Review status: no assertion criteria provided. Collection method: clinical testing. Allele origin: unknown. Not counted in ClinVar's aggregate classification.

Literature cited by the submitters: PubMed 19897426 (cited by 3 submitters); PubMed 16126774 (cited by Women's Health and Genetics/Laboratory Corporation of America, LabCorp); PubMed 11303517 (cited by Women's Health and Genetics/Laboratory Corporation of America, LabCorp and Ambry Genetics); PubMed 9915972 (cited by 3 submitters); PubMed 11504857 (cited by Women's Health and Genetics/Laboratory Corporation of America, LabCorp); PubMed 25963003 (cited by 3 submitters); PubMed 25735457 (cited by Women's Health and Genetics/Laboratory Corporation of America, LabCorp); PubMed 12529713 (cited by Women's Health and Genetics/Laboratory Corporation of America, LabCorp and Ambry Genetics); PubMed 26087173 (cited by Women's Health and Genetics/Laboratory Corporation of America, LabCorp); PubMed 34426522 (cited by Women's Health and Genetics/Laboratory Corporation of America, LabCorp); PubMed 36834620 (cited by Women's Health and Genetics/Laboratory Corporation of America, LabCorp); PubMed 38388235 (cited by Women's Health and Genetics/Laboratory Corporation of America, LabCorp); PubMed 32734384 (cited by Women's Health and Genetics/Laboratory Corporation of America, LabCorp); PubMed 11303509 (cited by Ambry Genetics).